The following is an entry in ClinVar:

NM_001048174.2(MUTYH):c.184G>A (p.Val62Ile)

Gene: MUTYH (mutY DNA glycosylase; minus strand). Cytogenetic location: 1p34.1.
Variant type: single nucleotide variant.
Coding change: c.184G>A on transcript NM_001048174.2 (MANE Select); coding-DNA position 184, G replaced by A.
Protein change: p.Val62Ile; replaces valine 62 with isoleucine.
Molecular consequence: missense variant. On other transcripts: 5 prime UTR variant (4), non-coding transcript variant (2).
Genome position (GRCh38, 1-based): chr1:45,333,493, C>T on the plus strand (G>A on the coding strand, the complement: MUTYH is on the minus strand). VCF-style: chr1-45333493-C-T. GRCh37 (hg19) VCF-style: chr1-45799165-C-T.
Other names: c.184G>A, p.Val62Ile (NM_001048171.2, NM_001048173.2, NM_001293195.2); c.187G>A, p.Val63Ile (NM_001048172.2); c.268G>A, p.Val90Ile (NM_001128425.2); c.229G>A, p.Val77Ile (NM_001293190.2); c.217G>A, p.Val73Ile (NM_001293191.2); c.-93G>A (NM_001293192.2, NM_001293196.2); c.-88G>A (NM_001350650.2, NM_001350651.2); c.259G>A, p.Val87Ile (NM_012222.3); short protein forms V90I, V73I, V63I, V62I, V77I, V87I.
Identifiers: ClinVar variation 135985 (VCV000135985.24), dbSNP rs375526246, ClinGen allele CA013287.
Genomic context (GRCh38, chr1:45,333,493, plus strand): 5'-CCCGTTTCTCTTGGTCGTACCAGCTTAGCAGGCTCCCTCGGAAGGCTGTGACTTCAGCTA[C>T]GTCTCTGAATAGATGGTATGAGGAGACAGAGGCCTGCAATACCACCTCTTCCGGCTGCCT-3'
Protein context (NP_001041639.1, residues 52-72): SVSSYHLFRD[Val62Ile]AEVTAFRGSL

ClinVar aggregate classification (germline): Conflicting classifications of pathogenicity. Review status: criteria provided, conflicting classifications (1 of 4 stars). 6 submissions from 6 submitters: Uncertain significance (3); Likely benign (3). Last evaluated 2025-11-22.

Conditions:
Hereditary cancer-predisposing syndrome. Also called: Tumor predisposition; Hereditary neoplastic syndrome; Neoplastic Syndromes, Hereditary; Hereditary Cancer Syndrome. Identifiers: Orphanet 140162, MedGen C0027672, MeSH D009386, MONDO:0015356.
Familial adenomatous polyposis 2. Also called: MUTYH-related attenuated familial adenomatous polyposis; MUTYH Polyposis; ADENOMAS, MULTIPLE COLORECTAL, AUTOSOMAL RECESSIVE; MUTYH-associated polyposis; MYH-associated polyposis; COLORECTAL ADENOMATOUS POLYPOSIS, AUTOSOMAL RECESSIVE. Identifiers: Orphanet 220460, Orphanet 247798, MedGen C3272841, MONDO:0012041, OMIM 608456.

Allele frequency attached by ClinVar (database versions not stated): gnomAD 0.00003; TOPMed 0.00003; ESP Exome Variant Server 0.00008.
gnomAD v4.1: 36 of 1,614,110 alleles (0.0022%); highest among the groups gnomAD compares: Non-Finnish European, 0.0027%; no homozygotes.

Submissions (6):

Labcorp Genetics (formerly Invitae), Labcorp
Classification: Uncertain significance for Familial adenomatous polyposis 2. Last evaluated: 2025-11-22. Review status: criteria provided, single submitter. Criteria: Invitae Variant Classification Sherloc (09022015). Collection method: clinical testing. Allele origin: germline.
Comment: This sequence change replaces valine, which is neutral and non-polar, with isoleucine, which is neutral and non-polar, at codon 90 of the MUTYH protein (p.Val90Ile). This variant is present in population databases (rs375526246, gnomAD 0.002%). This variant has not been reported in the literature in individuals affected with MUTYH-related conditions. ClinVar contains an entry for this variant (Variation ID: 135985). An algorithm developed to predict the effect of missense changes on protein structure and function outputs the following: PolyPhen-2: "Benign". The isoleucine amino acid residue is found in multiple mammalian species, which suggests that this missense change does not adversely affect protein function. In summary, the available evidence is currently insufficient to determine the role of this variant in disease. Therefore, it has been classified as a Variant of Uncertain Significance.

Color Diagnostics, LLC DBA Color Health
Classification: Likely benign for Hereditary cancer-predisposing syndrome. Last evaluated: 2025-07-29. Review status: criteria provided, single submitter. Criteria: ACMG Guidelines, 2015. Collection method: clinical testing. Allele origin: germline.

All of Us Research Program, National Institutes of Health
Classification: Uncertain significance for Familial adenomatous polyposis 2. Last evaluated: 2023-09-18. Review status: criteria provided, single submitter. Criteria: ACMG Guidelines, 2015. Collection method: clinical testing. Allele origin: germline. Inheritance: Autosomal recessive inheritance. Observed: 1 variant allele, 1 heterozygote.
Comment: This study involves interpretation of variants in research participants for the purpose of population health screening. Participant phenotype was not available at the time of variant classification. Additional details can be found in publication PMID: 35346344, PMCID: PMC8962531

Blueprint Genetics
Classification: Likely benign. Last evaluated: 2023-02-17. Review status: criteria provided, single submitter. Criteria: ACMG Guidelines, 2015. Collection method: clinical testing. Allele origin: germline.

Sema4
Classification: Uncertain significance for Hereditary cancer-predisposing syndrome. Last evaluated: 2022-03-17. Review status: criteria provided, single submitter. Criteria: Sema4 Curation Guidelines. Collection method: curation. Allele origin: germline.
Comment: To the best of our knowledge, the MUTYH c.268G>A (p.V90I) variant has not been reported in individuals with MUTYH-related disease. It has been reported in a large case-control study in 1/60466 breast cancer cases and 0/53461 controls (PMID: 33471991). It was observed in 3/129194 chromosomes of the Non-Finnish European subpopulation in the large and broad cohorts of the Genome Aggregation Database (PMID: 32461654). This variant has been reported in ClinVar (Variation ID 135985). In silico tools suggest the impact of the variant on protein function is benign, though these predictions have not been confirmed by functional studies. There is no indication that this variant causes disease, but the evidence is insufficient currently to prove that conclusively. Thus, the clinical significance of this variant is currently uncertain.

Ambry Genetics
Classification: Likely benign for Hereditary cancer-predisposing syndrome. Last evaluated: 2019-03-16. Review status: criteria provided, single submitter. Criteria: Ambry Variant Classification Scheme 2023. Collection method: clinical testing. Allele origin: germline.

Literature cited by the submitters: PubMed 33471991 (cited by Sema4).